The following is an entry in ClinVar:

NM_001458.5(FLNC):c.796G>A (p.Ala266Thr)

Gene: FLNC (filamin C; plus strand). Cytogenetic location: 7q32.1.
Variant type: single nucleotide variant.
Coding change: c.796G>A on transcript NM_001458.5 (MANE Select); coding-DNA position 796, G replaced by A.
Protein change: p.Ala266Thr; replaces alanine 266 with threonine.
Molecular consequence: missense variant.
Genome position (GRCh38, 1-based): chr7:128,837,494, G>A. VCF-style: chr7-128837494-G-A. GRCh37 (hg19) VCF-style: chr7-128477548-G-A.
Other names: c.796G>A, p.Ala266Thr (NM_001127487.2); short protein forms A266T.
Identifiers: ClinVar variation 2065671 (VCV002065671.4), dbSNP rs1272750591, ClinGen allele CA369222484.
Genomic context (GRCh38, chr7:128,837,494, plus strand): 5'-GATGAGCATTCTGTTATGACCTACCTGTCCCAGTTCCCCAAGGCCAAGCTCAAACCTGGT[G>A]CCCCTGTTCGATCCAAGCAGCTGAACCCCAAGAAAGCCATCGCCTATGGGCCTGGTATGT-3'
Protein context (NP_001449.3, residues 256-276): QFPKAKLKPG[Ala266Thr]PVRSKQLNPK

ClinVar aggregate classification (germline): Uncertain significance. Review status: criteria provided, multiple submitters, no conflicts (2 of 4 stars). 2 submissions from 2 submitters: Uncertain significance (2). Last evaluated 2024-10-21.

Conditions:
Cardiovascular phenotype. Identifiers: MedGen CN230736.
Distal myopathy with posterior leg and anterior hand involvement. Also called: WILLIAMS DISTAL MYOPATHY. Identifiers: Orphanet 63273, MedGen C3279722, MONDO:0013550, OMIM 614065.
Myofibrillar myopathy 5. Also called: FILAMINOPATHY, AUTOSOMAL DOMINANT; Filaminopathy (type). Identifiers: Orphanet 171445, MedGen C1836050, MONDO:0012289, OMIM 609524.
Hypertrophic cardiomyopathy 26. Also called: Cardiomyopathy, familial hypertrophic, 26. Identifiers: Orphanet 75249, MedGen C4310749, MONDO:0014883, OMIM 617047.
Dilated Cardiomyopathy, Dominant.

Allele frequency attached by ClinVar (database versions not stated): gnomAD exomes 0.00002; TOPMed 0.00002.
gnomAD v4.1: 25 of 1,614,186 alleles (0.0015%); highest among the groups gnomAD compares: Non-Finnish European, 0.0019%; no homozygotes.

Submissions (2):

Labcorp Genetics (formerly Invitae), Labcorp
Classification: Uncertain significance for Distal myopathy with posterior leg and anterior hand involvement; Myofibrillar myopathy 5; Hypertrophic cardiomyopathy 26. Last evaluated: 2024-10-21. Review status: criteria provided, single submitter. Criteria: Invitae Variant Classification Sherloc (09022015). Collection method: clinical testing. Allele origin: germline.
Comment: This sequence change replaces alanine, which is neutral and non-polar, with threonine, which is neutral and polar, at codon 266 of the FLNC protein (p.Ala266Thr). This variant is present in population databases (no rsID available, gnomAD 0.0009%). This variant has not been reported in the literature in individuals affected with FLNC-related conditions. ClinVar contains an entry for this variant (Variation ID: 2065671). Invitae Evidence Modeling of protein sequence and biophysical properties (such as structural, functional, and spatial information, amino acid conservation, physicochemical variation, residue mobility, and thermodynamic stability) has been performed for this missense variant. However, the output from this modeling did not meet the statistical confidence thresholds required to predict the impact of this variant on FLNC protein function. In summary, the available evidence is currently insufficient to determine the role of this variant in disease. Therefore, it has been classified as a Variant of Uncertain Significance.

Ambry Genetics
Classification: Uncertain significance for Cardiovascular phenotype. Last evaluated: 2024-03-28. Review status: criteria provided, single submitter. Criteria: Ambry Variant Classification Scheme 2023. Collection method: clinical testing. Allele origin: germline.
Comment: The p.A266T variant (also known as c.796G>A), located in coding exon 4 of the FLNC gene, results from a G to A substitution at nucleotide position 796. The alanine at codon 266 is replaced by threonine, an amino acid with similar properties. This amino acid position is highly conserved in available vertebrate species. In addition, the in silico prediction for this alteration is inconclusive. Based on the available evidence, the clinical significance of this alteration remains unclear.